The following is an entry in ClinVar:

ClinVar aggregate classification (germline): Likely benign. Review status: criteria provided, multiple submitters, no conflicts (2 of 4 stars). 2 submissions from 2 submitters: Likely benign (2). Last evaluated 2026-01-21.

Allele frequency attached by ClinVar (database versions not stated): ExAC 0.00002; gnomAD 0.00003 and 0.00002; TOPMed 0.00003; gnomAD exomes 0.00002.
gnomAD v4.1: 41 of 1,613,306 alleles (0.0025%); highest among the groups gnomAD compares: South Asian, 0.018%; no homozygotes.

Submissions (2):

Labcorp Genetics (formerly Invitae), Labcorp
Classification: Likely benign. Last evaluated: 2026-01-21. Review status: criteria provided, single submitter. Criteria: Invitae Variant Classification Sherloc (09022015). Collection method: clinical testing. Allele origin: germline.

CeGaT Center for Human Genetics Tuebingen
Classification: Likely benign. Last evaluated: 2025-08-01. Review status: criteria provided, single submitter. Criteria: CeGaT Center For Human Genetics Tuebingen Variant Classification Criteria Version 2. Collection method: clinical testing. Allele origin: germline. Affected: yes. Observed: 1 variant allele.
Comment: PACS2: BP4, BP7

NM_001100913.3(PACS2):c.1020C>T (p.Ser340=)

Gene: PACS2 (phosphofurin acidic cluster sorting protein 2; plus strand). Cytogenetic location: 14q32.33.
Variant type: single nucleotide variant.
Coding change: c.1020C>T on transcript NM_001100913.3 (MANE Select); coding-DNA position 1020, C replaced by T.
Protein change: p.Ser340=; no amino-acid change (serine 340 retained).
Molecular consequence: synonymous variant.
Genome position (GRCh38, 1-based): chr14:105,379,799, C>T. VCF-style: chr14-105379799-C-T. GRCh37 (hg19) VCF-style: chr14-105846136-C-T.
Other names: c.795C>T, p.Ser265= (NM_001243127.3); c.1020C>T, p.Ser340= (NM_015197.4).
Identifiers: ClinVar variation 1529632 (VCV001529632.16), dbSNP rs782574974, ClinGen allele CA7388675.